The following is an entry in ClinVar:

NM_000478.6(ALPL):c.977G>T (p.Gly326Val)

Gene: ALPL (alkaline phosphatase, biomineralization associated; plus strand). Cytogenetic location: 1p36.12.
Variant type: single nucleotide variant.
Coding change: c.977G>T on transcript NM_000478.6 (MANE Select); coding-DNA position 977, G replaced by T.
Protein change: p.Gly326Val; replaces glycine 326 with valine.
Molecular consequence: missense variant.
Genome position (GRCh38, 1-based): chr1:21,573,779, G>T. VCF-style: chr1-21573779-G-T. GRCh37 (hg19) VCF-style: chr1-21900272-G-T.
Other names: c.812G>T, p.Gly271Val (NM_001127501.4); c.746G>T, p.Gly249Val (NM_001177520.3); c.977G>T, p.Gly326Val (NM_001369803.2, NM_001369804.2, NM_001369805.2); short protein forms G249V, G271V, G326V.
Identifiers: ClinVar variation 3768042 (VCV003768042.2).

ClinVar aggregate classification (germline): Likely pathogenic. Review status: criteria provided, multiple submitters, no conflicts (2 of 4 stars). 2 submissions from 2 submitters: Likely pathogenic (2). Last evaluated 2025-08-29.

Conditions:
Hypophosphatasia. Also called: Phosphoethanol-aminuria. Identifiers: Orphanet 436, MedGen C0020630, MeSH D007014, MONDO:0018570.

Submissions (2):

Genomenon, Inc
Classification: Likely pathogenic for Hypophosphatasia. Last evaluated: 2025-08-29. Review status: criteria provided, single submitter. Criteria: Genomenon Sequence Variant Interpretation Standards. Collection method: curation. Allele origin: germline. Affected: yes.
Comment: ALPL c.977G>T is a missense variant that changes the amino acid at residue 326 from Glycine to Valine. This variant has been observed in at least one proband affected with hypophosphatasia (PMID:33937142;32973344). It is absent or not present at a significant frequency in gnomAD. In silico models agree that this variant is possibly or probably damaging. In conclusion, we classify ALPL p.Gly326Val (c.977G>T) as a likely pathogenic variant.

Women's Health and Genetics/Laboratory Corporation of America, LabCorp
Classification: Likely pathogenic for Hypophosphatasia. Last evaluated: 2024-12-16. Review status: criteria provided, single submitter. Criteria: LabCorp Variant Classification Summary - May 2015. Collection method: clinical testing. Allele origin: germline.
Comment: Variant summary: ALPL c.977G>T (p.Gly326Val) results in a non-conservative amino acid change located in the Alkaline phosphatase domain (IPR001952) of the encoded protein sequence. Five of five in-silico tools predict a damaging effect of the variant on protein function. The variant allele was found at a frequency of 4e-06 in 251166 control chromosomes. c.977G>T has been reported in the literature in homozygous individuals affected with recessive Hypophosphatasia (Maddirevula_2018, Del Angel_2020), as well as a family with dominant Hypophosphatasia (Alghamdi_2021). These data indicate that the variant is likely to be associated with disease. To our knowledge, no experimental evidence demonstrating an impact on protein function has been reported. The following publications have been ascertained in the context of this evaluation (PMID: 33937142, 32160374, 29620724). No submitters have cited clinical-significance assessments for this variant to ClinVar. While this variant has been reported in the literature, the clinical significance of the variant for dominant Hypophosphatasia could not be established. Based on the evidence outlined above, this variant is likely pathogenic for recessive Hypophosphatasia.

Literature cited by the submitters: PubMed 33937142 (cited by Genomenon, Inc and Women's Health and Genetics/Laboratory Corporation of America, LabCorp); PubMed 32973344 (cited by Genomenon, Inc); PubMed 32160374 (cited by Women's Health and Genetics/Laboratory Corporation of America, LabCorp); PubMed 29620724 (cited by Women's Health and Genetics/Laboratory Corporation of America, LabCorp).